The following is an entry in ClinVar:

NM_032737.4(LMNB2):c.855+8C>T

Genes: MIR7108 (microRNA 7108; minus strand), LMNB2 (lamin B2; minus strand). Cytogenetic location: 19p13.3.
Variant type: single nucleotide variant.
Coding change: c.855+8C>T on transcript NM_032737.4 (MANE Select); 8 bases into the intron after coding-DNA position 855, C replaced by T.
Molecular consequence: intron variant. On other transcripts: non-coding transcript variant (1).
Genome position (GRCh38, 1-based): chr19:2,434,993, G>A on the plus strand (C>T on the coding strand, the complement: LMNB2 is on the minus strand). VCF-style: chr19-2434993-G-A. GRCh37 (hg19) VCF-style: chr19-2434991-G-A.
Identifiers: ClinVar variation 542444 (VCV000542444.17), dbSNP rs375918278, ClinGen allele CA9067742.

ClinVar aggregate classification (germline): Benign/Likely benign. Review status: criteria provided, multiple submitters, no conflicts (2 of 4 stars). 5 submissions from 5 submitters: Benign (1); Likely benign (3). 1 of the submissions does not count toward it. Last evaluated 2025-12-01.

Conditions:
LMNB2-related disorder. Also called: LMNB2-related condition.
Lipodystrophy, partial, acquired, susceptibility to (APLD). Also called: APLD, SUSCEPTIBILITY TO. Identifiers: MedGen C3887501, MONDO:0100476, OMIM 608709.
Progressive myoclonic epilepsy type 9. Identifiers: Orphanet 457265, MedGen C4225289, MONDO:0014685, OMIM 616540.

Allele frequency attached by ClinVar (database versions not stated): ESP Exome Variant Server 0.00015; gnomAD 0.00025 and 0.00035; gnomAD exomes 0.00037 and 0.00055; TOPMed 0.00056; ExAC 0.00069; 1000 Genomes Project 30x 0.00094; 1000 Genomes Project 0.00120.
gnomAD v4.1: 506 of 1,234,354 alleles (0.041%); highest among the groups gnomAD compares: Middle Eastern, 0.54%; 9 homozygotes.

Submissions (5):

Labcorp Genetics (formerly Invitae), Labcorp
Classification: Likely benign for Progressive myoclonic epilepsy type 9; Lipodystrophy, partial, acquired, susceptibility to. Last evaluated: 2025-12-01. Review status: criteria provided, single submitter. Criteria: Invitae Variant Classification Sherloc (09022015). Collection method: clinical testing. Allele origin: germline.

Blueprint Genetics
Classification: Likely benign. Last evaluated: 2024-11-26. Review status: criteria provided, single submitter. Criteria: ACMG Guidelines, 2015. Collection method: clinical testing. Allele origin: germline.

Athena Diagnostics
Classification: Benign. Last evaluated: 2024-11-13. Review status: criteria provided, single submitter. Criteria: Athena Diagnostics Criteria. Collection method: clinical testing. Allele origin: unknown.

Breakthrough Genomics
Classification: Likely benign. Review status: criteria provided, single submitter. Criteria: ACMG Guidelines, 2015. Collection method: not provided. Allele origin: germline. Inheritance: Autosomal recessive inheritance. Affected: yes.

PreventionGenetics, part of Exact Sciences
Classification: Likely benign for LMNB2-related condition. Last evaluated: 2019-10-24. Review status: no assertion criteria provided. Collection method: clinical testing. Allele origin: germline. Not counted in ClinVar's aggregate classification.
Comment: This variant is classified as likely benign based on ACMG/AMP sequence variant interpretation guidelines (Richards et al. 2015 PMID: 25741868, with internal and published modifications).